The following is an entry in ClinVar:

ClinVar aggregate classification (germline): Uncertain significance (1 of 4 stars; one submission).

Conditions:
Hereditary cancer-predisposing syndrome. Also called: Tumor predisposition; Hereditary neoplastic syndrome; Hereditary Cancer Syndrome; Neoplastic Syndromes, Hereditary. Identifiers: Orphanet 140162, MedGen C0027672, MeSH D009386, MONDO:0015356.

Submission:

Ambry Genetics
Classification: Uncertain significance for Hereditary cancer-predisposing syndrome. Last evaluated: 2023-12-04. Review status: criteria provided, single submitter. Criteria: Ambry Variant Classification Scheme 2023. Collection method: clinical testing. Allele origin: germline.
Comment: The p.V580A variant (also known as c.1739T>C), located in coding exon 11 of the NBN gene, results from a T to C substitution at nucleotide position 1739. The valine at codon 580 is replaced by alanine, an amino acid with similar properties. This amino acid position is conserved. In addition, this alteration is predicted to be tolerated by in silico analysis. Since supporting evidence is limited at this time, the clinical significance of this alteration remains unclear.

NM_002485.5(NBN):c.1739T>C (p.Val580Ala)

Gene: NBN (nibrin; minus strand). Cytogenetic location: 8q21.3.
Variant type: single nucleotide variant.
Coding change: c.1739T>C on transcript NM_002485.5 (MANE Select); coding-DNA position 1739, T replaced by C.
Protein change: p.Val580Ala; replaces valine 580 with alanine.
Molecular consequence: missense variant.
Genome position (GRCh38, 1-based): chr8:89,953,350, A>G on the plus strand (T>C on the coding strand, the complement: NBN is on the minus strand). VCF-style: chr8-89953350-A-G. GRCh37 (hg19) VCF-style: chr8-90965578-A-G.
Other names: c.1493T>C, p.Val498Ala (NM_001024688.3); short protein forms V498A, V580A.
Identifiers: ClinVar variation 3222412 (VCV003222412.1), dbSNP rs2129697638, ClinGen allele CA371655202.